The following is an entry in ClinVar:

NM_002473.6(MYH9):c.1479G>A (p.Gln493=)

Gene: MYH9 (myosin heavy chain 9; minus strand). Cytogenetic location: 22q12.3.
Variant type: single nucleotide variant.
Coding change: c.1479G>A on transcript NM_002473.6 (MANE Select); coding-DNA position 1479, G replaced by A.
Protein change: p.Gln493=; no amino-acid change (glutamine 493 retained).
Molecular consequence: synonymous variant.
Genome position (GRCh38, 1-based): chr22:36,314,220, C>T on the plus strand (G>A on the coding strand, the complement: MYH9 is on the minus strand). VCF-style: chr22-36314220-C-T. GRCh37 (hg19) VCF-style: chr22-36710265-C-T.
Other names: c.1479G>A (NM_002473.5).
Identifiers: ClinVar variation 341527 (VCV000341527.25), dbSNP rs376262583, ClinGen allele CA10210276.

ClinVar aggregate classification (germline): Conflicting classifications of pathogenicity. Review status: criteria provided, conflicting classifications (1 of 4 stars). 7 submissions from 6 submitters: Uncertain significance (1); Benign (2); Likely benign (3). 1 of the submissions does not count toward it. Last evaluated 2026-01-01.

Conditions:
Autosomal dominant nonsyndromic hearing loss 17. Also called: Deafness, autosomal dominant 17; Autosomal dominant nonsyndromic deafness 17. Identifiers: Orphanet 90635, MedGen C1863659, MONDO:0011350, OMIM 603622.
MYH9-related disorder. Identifiers: MedGen C1854520.

Allele frequency attached by ClinVar (database versions not stated): gnomAD exomes 0.00004 and 0.00021; 1000 Genomes Project 0.00020; TOPMed 0.00020; ExAC 0.00021; ESP Exome Variant Server 0.00023; gnomAD 0.00025; 1000 Genomes Project 30x 0.00031.
gnomAD v4.1: 110 of 1,614,252 alleles (0.0068%); highest among the groups gnomAD compares: East Asian, 0.078%; no homozygotes.

Submissions (7):

CeGaT Center for Human Genetics Tuebingen
Classification: Likely benign. Last evaluated: 2026-01-01. Review status: criteria provided, single submitter. Criteria: CeGaT Center For Human Genetics Tuebingen Variant Classification Criteria Version 2. Collection method: clinical testing. Allele origin: germline. Affected: yes. Observed: 1 variant allele.
Comment: MYH9: BP4, BS2

Labcorp Genetics (formerly Invitae), Labcorp
Classification: Benign. Last evaluated: 2025-10-12. Review status: criteria provided, single submitter. Criteria: Invitae Variant Classification Sherloc (09022015). Collection method: clinical testing. Allele origin: germline.

GeneDx
Classification: Likely benign. Last evaluated: 2021-04-28. Review status: criteria provided, single submitter. Criteria: GeneDx Variant Classification Process June 2021. Collection method: clinical testing. Allele origin: germline. Affected: yes.

Illumina Laboratory Services, Illumina
Classification: Benign for MYH9-related disorder. Last evaluated: 2018-01-12. Review status: criteria provided, single submitter. Criteria: ICSL Variant Classification Criteria 13 December 2019. Collection method: clinical testing. Allele origin: germline.
Comment: This variant was observed in the ICSL laboratory as part of a predisposition screen in an ostensibly healthy population. It had not been previously curated by ICSL or reported in the Human Gene Mutation Database (HGMD: prior to June 1st, 2018), and was therefore a candidate for classification through an automated scoring system. Utilizing variant allele frequency, disease prevalence and penetrance estimates, and inheritance mode, an automated score was calculated to assess if this variant is too frequent to cause the disease. Based on the score and internal cut-off values, a variant classified as benign is not then subjected to further curation. The score for this variant resulted in a classification of benign for this disease.

Illumina Laboratory Services, Illumina
Classification: Likely benign for Autosomal dominant nonsyndromic hearing loss 17. Last evaluated: 2018-01-12. Review status: criteria provided, single submitter. Criteria: ICSL Variant Classification Criteria 13 December 2019. Collection method: clinical testing. Allele origin: germline.
Comment: This variant was observed in the ICSL laboratory as part of a predisposition screen in an ostensibly healthy population. It had not been previously curated by ICSL or reported in the Human Gene Mutation Database (HGMD: prior to June 1st, 2018), and was therefore a candidate for classification through an automated scoring system. Utilizing variant allele frequency, disease prevalence and penetrance estimates, and inheritance mode, an automated score was calculated to assess if this variant is too frequent to cause the disease. Based on the score and internal cut-off values, a variant classified as likely benign is not then subjected to further curation. The score for this variant resulted in a classification of likely benign for this disease.

Eurofins Ntd Llc (ga)
Classification: Uncertain significance. Last evaluated: 2016-10-20. Review status: criteria provided, single submitter. Criteria: EGL Classification Definitions 2015. Collection method: clinical testing. Allele origin: germline. Observed: 1 variant allele, 1 heterozygote.

PreventionGenetics, part of Exact Sciences
Classification: Likely benign for MYH9-related condition. Last evaluated: 2019-06-18. Review status: no assertion criteria provided. Collection method: clinical testing. Allele origin: germline. Not counted in ClinVar's aggregate classification.
Comment: This variant is classified as likely benign based on ACMG/AMP sequence variant interpretation guidelines (Richards et al. 2015 PMID: 25741868, with internal and published modifications).